The following is an entry in ClinVar:

NM_006231.4(POLE):c.331-1G>A

Gene: POLE (DNA polymerase epsilon, catalytic subunit; minus strand). Cytogenetic location: 12q24.33.
Variant type: single nucleotide variant.
Coding change: c.331-1G>A on transcript NM_006231.4 (MANE Select); the canonical splice acceptor site of the intron before coding-DNA position 331, G replaced by A.
Molecular consequence: splice acceptor variant.
Genome position (GRCh38, 1-based): chr12:132,680,047, C>T on the plus strand (G>A on the coding strand, the complement: POLE is on the minus strand). VCF-style: chr12-132680047-C-T. GRCh37 (hg19) VCF-style: chr12-133256633-C-T.
Identifiers: ClinVar variation 540726 (VCV000540726.9), dbSNP rs1555230196, ClinGen allele CA387368431.

ClinVar aggregate classification (germline): Likely pathogenic (1 of 4 stars; one submission).

Submission:

Labcorp Genetics (formerly Invitae), Labcorp
Classification: Likely pathogenic. Last evaluated: 2022-05-11. Review status: criteria provided, single submitter. Criteria: Invitae Variant Classification Sherloc (09022015). Collection method: clinical testing. Allele origin: germline.
Comment: In summary, the currently available evidence indicates that the variant is pathogenic, but additional data are needed to prove that conclusively. Therefore, this variant has been classified as Likely Pathogenic. Algorithms developed to predict the effect of sequence changes on RNA splicing suggest that this variant may disrupt the consensus splice site. ClinVar contains an entry for this variant (Variation ID: 540726). This variant has not been reported in the literature in individuals affected with POLE-related conditions. This variant is not present in population databases (gnomAD no frequency). This sequence change affects an acceptor splice site in intron 4 of the POLE gene. It is expected to disrupt RNA splicing. Variants that disrupt the donor or acceptor splice site typically lead to a loss of protein function (PMID: 16199547), and loss-of-function variants in POLE are known to be pathogenic (PMID: 23230001, 25948378, 30503519).

Literature cited by the submitters: PubMed 16199547; PubMed 23230001; PubMed 25948378; PubMed 30503519.